The following is an entry in ClinVar:

NM_007294.4(BRCA1):c.5419A>T (p.Ile1807Phe)

Gene: BRCA1 (BRCA1 DNA repair associated; minus strand). Cytogenetic location: 17q21.31.
Variant type: single nucleotide variant.
Coding change: c.5419A>T on transcript NM_007294.4 (MANE Select); coding-DNA position 5419, A replaced by T.
Protein change: p.Ile1807Phe; replaces isoleucine 1807 with phenylalanine.
Molecular consequence: missense variant. On other transcripts: non-coding transcript variant (1).
Genome position (GRCh38, 1-based): chr17:43,047,691, T>A on the plus strand (A>T on the coding strand, the complement: BRCA1 is on the minus strand). VCF-style: chr17-43047691-T-A. GRCh37 (hg19) VCF-style: chr17-41199708-T-A.
Other names: c.5272A>T, p.Ile1758Phe (NM_001407848.1, NM_001407849.1, NM_001407850.1 and 12 more transcripts); c.5345A>T, p.Asn1782Ile (NM_001407854.1); c.5342A>T, p.Asn1781Ile (NM_001407858.1, NM_001407859.1, NM_001407860.1); c.2107A>T, p.Ile703Phe (NM_001407984.1, NM_001407985.1, NM_001407986.1 and 11 more transcripts); c.2104A>T, p.Ile702Phe (NM_001408392.1, NM_001408396.1, NM_001408397.1 and 7 more transcripts); c.2101A>T, p.Ile701Phe (NM_001408408.1, NM_001408406.1, NM_001408407.1); c.2098A>T, p.Ile700Phe (NM_001408409.1); c.2035A>T, p.Ile679Phe (NM_001408410.1); and 83 more; short protein forms I1807F, I1828F, N678I, I1760F, I703F, I1511F, I1653F, I1718F.
Identifiers: ClinVar variation 825717 (VCV000825717.10), dbSNP rs786202721, ClinGen allele CA10590614.

ClinVar aggregate classification (germline): Uncertain significance. Review status: criteria provided, multiple submitters, no conflicts (2 of 4 stars). 2 submissions from 2 submitters: Uncertain significance (2). Last evaluated 2022-11-07.

Conditions:
Hereditary cancer-predisposing syndrome. Also called: Hereditary Cancer Syndrome; Hereditary neoplastic syndrome; Neoplastic Syndromes, Hereditary; Tumor predisposition. Identifiers: Orphanet 140162, MedGen C0027672, MeSH D009386, MONDO:0015356.
Hereditary breast ovarian cancer syndrome. Also called: BRCA1- and BRCA2-Associated Hereditary Breast and Ovarian Cancer; Hereditary breast and ovarian cancer syndrome (HBOC); Hereditary breast and ovarian cancer syndrome; Breast and ovarian cancer; Hereditary breast and ovarian cancer; Hereditary breast and/or ovarian cancer syndrome. Identifiers: Orphanet 145, MedGen C0677776, MeSH D061325, MONDO:0003582. Disease mechanism: loss of function.

Submissions (3):

Labcorp Genetics (formerly Invitae), Labcorp
Classification: Uncertain significance for Hereditary breast ovarian cancer syndrome. Last evaluated: 2022-11-07. Review status: criteria provided, single submitter. Criteria: Invitae Variant Classification Sherloc (09022015). Collection method: clinical testing. Allele origin: germline.
Comment: This sequence change replaces isoleucine, which is neutral and non-polar, with phenylalanine, which is neutral and non-polar, at codon 1807 of the BRCA1 protein (p.Ile1807Phe). In summary, the available evidence is currently insufficient to determine the role of this variant in disease. Therefore, it has been classified as a Variant of Uncertain Significance. Experimental studies are conflicting or provide insufficient evidence to determine the effect of this variant on BRCA1 function (PMID: 30209399, 32546644). Advanced modeling of protein sequence and biophysical properties (such as structural, functional, and spatial information, amino acid conservation, physicochemical variation, residue mobility, and thermodynamic stability) performed at Invitae indicates that this missense variant is not expected to disrupt BRCA1 protein function. ClinVar contains an entry for this variant (Variation ID: 825717). This variant has not been reported in the literature in individuals affected with BRCA1-related conditions. This variant is not present in population databases (gnomAD no frequency).

Ambry Genetics
Classification: Uncertain significance for Hereditary cancer-predisposing syndrome. Last evaluated: 2019-10-26. Review status: criteria provided, single submitter. Criteria: Ambry Variant Classification Scheme 2023. Collection method: clinical testing. Allele origin: germline.
Comment: The p.I1807F variant (also known as c.5419A>T), located in coding exon 21 of the BRCA1 gene, results from an A to T substitution at nucleotide position 5419. The isoleucine at codon 1807 is replaced by phenylalanine, an amino acid with highly similar properties. This amino acid position is not well conserved in available vertebrate species. In addition, the in silico prediction for this alteration is inconclusive. Since supporting evidence is limited at this time, the clinical significance of this alteration remains unclear.

Brotman Baty Institute, University of Washington
No classification provided (evidence only). Condition: Breast-ovarian cancer, familial 1. Review status: no classification provided. Collection method: in vitro. Allele origin: not applicable. Functional consequence: function_uncertain_variant. Not counted in ClinVar's aggregate classification.
ClinVar note: "not provided" was previously submitted as the classification for the variant. However, the classification appeared to be based only on an observation of functional data so it was converted to no classification on 2025-07-30.

Literature cited by the submitters: PubMed 30209399 (cited by Labcorp Genetics (formerly Invitae), Labcorp); PubMed 32546644 (cited by Labcorp Genetics (formerly Invitae), Labcorp).